The following is an entry in ClinVar:

ClinVar aggregate classification (germline): Likely pathogenic (1 of 4 stars; one submission).

Conditions:
Craniosynostosis with ectopia lentis. Identifiers: MedGen C1863678, MONDO:0011347, OMIM 603595.

Submission:

Victorian Clinical Genetics Services, Murdoch Childrens Research Institute
Classification: Likely pathogenic for Craniosynostosis with ectopia lentis. Last evaluated: 2023-07-17. Review status: criteria provided, single submitter. Criteria: ACMG Guidelines, 2015. Collection method: clinical testing. Allele origin: germline. Inheritance: Autosomal recessive inheritance. Affected: yes.
Comment: Based on the classification scheme VCGS_Germline_v1.3.4, this variant is classified as Likely pathogenic. Following criteria are met: 0102 - Loss of function is a known mechanism of disease in this gene and is associated with ectopia lentis et pupillae (MIM#225200), isolated ectopia lentis (MIM#225100) and craniosynostosis with ectopia lentis (MONDO:0011347; PMID: 35378950). (I) 0106 - This gene is associated with autosomal recessive disease. (I) 0115 - Variants in this gene are known to have variable expressivity. Phenotype may vary significantly among patients, even within the same family (GeneReviews). (I) 0211 - Canonical splice site variant without proven consequence on splicing (no functional evidence available). (SP) 0251 - This variant is heterozygous. (I) 0301 - Variant is absent from gnomAD (both v2 and v3). (SP) 0311 - An alternative nucleotide change at the same canonical splice site is present in gnomAD (v2: 1 heterozygote, 0 homozygotes). (I) 0505 - Abnormal splicing is predicted by in silico tools and affected nucleotide is highly conserved. (SP) 0705 - No comparable variants have previous evidence for pathogenicity. (I) 0807 - This variant has no previous evidence of pathogenicity. (I) 0905 - No published segregation evidence has been identified for this variant. (I) 1007 - No published functional evidence has been identified for this variant. (I) 1201 - Heterozygous variant detected in trans with a second pathogenic heterozygous variant (NM_019032.5(ADAMTSL4):c.2270delG; p.(Gly757Valfs*62)) in a recessive disease (data analysis, not by parental segregation). (SP) 1208 - Inheritance information for this variant is not currently available in this individual. (I) Legend: (SP) - Supporting pathogenic, (I) - Information, (SB) - Supporting benign

Literature cited by the submitters: PubMed 35378950.

NM_019032.6(ADAMTSL4):c.2178-2A>T

Gene: ADAMTSL4 (ADAMTS like 4; plus strand). Cytogenetic location: 1q21.2.
Variant type: single nucleotide variant.
Coding change: c.2178-2A>T on transcript NM_019032.6 (MANE Select); the canonical splice acceptor site of the intron before coding-DNA position 2178, A replaced by T.
Molecular consequence: splice acceptor variant.
Genome position (GRCh38, 1-based): chr1:150,557,943, A>T. VCF-style: chr1-150557943-A-T. GRCh37 (hg19) VCF-style: chr1-150530419-A-T.
Other names: c.2247-2A>T (NM_001288608.2); c.2061-2A>T (NM_001288607.2); c.2178-2A>T (NM_001378596.1, NM_025008.5).
Identifiers: ClinVar variation 3254634 (VCV003254634.1), dbSNP rs755516700.